The following is an entry in ClinVar:

ClinVar aggregate classification (germline): Uncertain significance. Review status: criteria provided, multiple submitters, no conflicts (2 of 4 stars). 2 submissions from 2 submitters: Uncertain significance (2). Last evaluated 2025-03-19.

Conditions:
Myopathy, centronuclear, 2 (CNM2). Also called: MYOTUBULAR MYOPATHY, AUTOSOMAL RECESSIVE. Identifiers: Orphanet 169186, MedGen CN031787, MONDO:0009709, OMIM 255200.

Allele frequency attached by ClinVar (database versions not stated): ESP Exome Variant Server 0.00008; gnomAD exomes 0.00001; ExAC 0.00002.
gnomAD v4.1: 9 of 1,613,902 alleles (0.00056%); highest among the groups gnomAD compares: Non-Finnish European, 0.00068%; no homozygotes.

Submissions (2):

Labcorp Genetics (formerly Invitae), Labcorp
Classification: Uncertain significance for Myopathy, centronuclear, 2. Last evaluated: 2025-03-19. Review status: criteria provided, single submitter. Criteria: Invitae Variant Classification Sherloc (09022015). Collection method: clinical testing. Allele origin: germline.
Comment: This sequence change replaces proline, which is neutral and non-polar, with leucine, which is neutral and non-polar, at codon 593 of the BIN1 protein (p.Pro593Leu). This variant is present in population databases (rs375004668, gnomAD 0.003%). This variant has not been reported in the literature in individuals affected with BIN1-related conditions. ClinVar contains an entry for this variant (Variation ID: 2439520). An algorithm developed to predict the effect of missense changes on protein structure and function (PolyPhen-2) suggests that this variant is likely to be disruptive. In summary, the available evidence is currently insufficient to determine the role of this variant in disease. Therefore, it has been classified as a Variant of Uncertain Significance.

Revvity Omics, Revvity
Classification: Uncertain significance for Myopathy, centronuclear, 2. Last evaluated: 2019-12-16. Review status: criteria provided, single submitter. Criteria: ACMG Guidelines, 2015. Collection method: clinical testing. Allele origin: germline.

NM_139343.3(BIN1):c.1778C>T (p.Pro593Leu)

Gene: BIN1 (bridging integrator 1; minus strand). Cytogenetic location: 2q14.3.
Variant type: single nucleotide variant.
Coding change: c.1778C>T on transcript NM_139343.3 (MANE Select); coding-DNA position 1778, C replaced by T.
Protein change: p.Pro593Leu; replaces proline 593 with leucine.
Molecular consequence: missense variant.
Genome position (GRCh38, 1-based): chr2:127,048,530, G>A on the plus strand (C>T on the coding strand, the complement: BIN1 is on the minus strand). VCF-style: chr2-127048530-G-A. GRCh37 (hg19) VCF-style: chr2-127806106-G-A.
Other names: c.1271C>T, p.Pro424Leu (NM_001320632.2); c.1409C>T, p.Pro470Leu (NM_001320633.2); c.1154C>T, p.Pro385Leu (NM_001320634.1); c.1538C>T, p.Pro513Leu (NM_001320640.2); c.1685C>T, p.Pro562Leu (NM_001320641.2); c.1697C>T, p.Pro566Leu (NM_001320642.1); c.1361C>T, p.Pro454Leu (NM_004305.4); c.1649C>T, p.Pro550Leu (NM_139344.3); and 7 more; short protein forms P385L, P409L, P424L, P439L, P454L, P470L, P475L, P482L.
Identifiers: ClinVar variation 2439520 (VCV002439520.5), dbSNP rs375004668, ClinGen allele CA1856923.